The following is an entry in ClinVar:

NM_020738.4(KIDINS220):c.2299A>G (p.Thr767Ala)

Gene: KIDINS220 (kinase D interacting substrate 220; minus strand). Cytogenetic location: 2p25.1.
Variant type: single nucleotide variant.
Coding change: c.2299A>G on transcript NM_020738.4 (MANE Select); coding-DNA position 2299, A replaced by G.
Protein change: p.Thr767Ala; replaces threonine 767 with alanine.
Molecular consequence: missense variant. On other transcripts: non-coding transcript variant (2).
Genome position (GRCh38, 1-based): chr2:8,779,745, T>C on the plus strand (A>G on the coding strand, the complement: KIDINS220 is on the minus strand). VCF-style: chr2-8779745-T-C. GRCh37 (hg19) VCF-style: chr2-8919875-T-C.
Other names: c.2302A>G, p.Thr768Ala (NM_001348729.2, NM_001348731.2, NM_001348734.2 and 3 more transcripts); c.2299A>G, p.Thr767Ala (NM_001348732.2, NM_001348735.2, NM_001348738.2 and 3 more transcripts); c.2173A>G, p.Thr725Ala (NM_001348736.2); short protein forms T725A, T767A, T768A.
Identifiers: ClinVar variation 3349159 (VCV003349159.1).
Genomic context (GRCh38, chr2:8,779,745, plus strand): 5'-TCTGAAGGACTTTGTCCTGCTCACAGGCATCTAATCCATCGATGATGACCACCAGCCTTG[T>C]CTGATTCTGAGTGAAGCTGTCAATGGTTTTTGCCATCCTGGCCATCAATTCCACTTCACA-3'
Protein context (NP_065789.1, residues 757-777): KTIDSFTQNQ[Thr767Ala]RLVVIIDGLD

ClinVar aggregate classification (germline): Uncertain significance (0 of 4 stars; one submission).

Conditions:
KIDINS220-related disorder. Also called: KIDINS220-related condition.

gnomAD v4.1: 2 of 1,614,198 alleles (0.00012%); highest among the groups gnomAD compares: Non-Finnish European, 0.00017%; no homozygotes.

Submission:

PreventionGenetics, part of Exact Sciences
Classification: Uncertain significance for KIDINS220-related condition. Last evaluated: 2024-01-31. Review status: no assertion criteria provided. Collection method: clinical testing. Allele origin: germline.
Comment: The KIDINS220 c.2299A>G variant is predicted to result in the amino acid substitution p.Thr767Ala. To our knowledge, this variant has not been reported in the literature. This variant is reported in 0.00088% of alleles in individuals of European (Non-Finnish) descent in gnomAD. At this time, the clinical significance of this variant is uncertain due to the absence of conclusive functional and genetic evidence.